The following is an entry in ClinVar:

ClinVar aggregate classification (germline): Pathogenic (1 of 4 stars; one submission).

Submission:

Labcorp Genetics (formerly Invitae), Labcorp
Classification: Pathogenic. Last evaluated: 2024-01-30. Review status: criteria provided, single submitter. Criteria: Invitae Variant Classification Sherloc (09022015). Collection method: clinical testing. Allele origin: germline.
Comment: This sequence change creates a premature translational stop signal (p.Leu647Glyfs*17) in the TBCD gene. It is expected to result in an absent or disrupted protein product. Loss-of-function variants in TBCD are known to be pathogenic (PMID: 27666370, 27666374). This variant is not present in population databases (gnomAD no frequency). This variant has not been reported in the literature in individuals affected with TBCD-related conditions. For these reasons, this variant has been classified as Pathogenic.

Literature cited by the submitters: PubMed 27666370; PubMed 27666374.

NM_005993.5(TBCD):c.1939_1940del (p.Leu647fs)

Gene: TBCD (tubulin folding cofactor D). Cytogenetic location: 17q25.3.
Variant type: Deletion.
Coding change: c.1939_1940del on transcript NM_005993.5 (MANE Select); coding-DNA positions 1939 to 1940, 2 bases deleted.
Protein change: p.Leu647fs; shifts the reading frame from leucine 647.
Molecular consequence: frameshift variant.
Genome position: GRCh38 VCF-style: chr17-82907775-ATC-A. GRCh37 (hg19) VCF-style: chr17-80865651-ATC-A.
Other names: c.1888_1889del, p.Leu630fs (NM_001411101.1); c.1858_1859del, p.Leu620fs (NM_001411102.1); short protein forms L620fs, L630fs, L647fs.
Identifiers: ClinVar variation 2710480 (VCV002710480.3), dbSNP rs2510329001, ClinGen allele CA2697555288.